The following is an entry in ClinVar:

ClinVar aggregate classification (germline): Uncertain significance (1 of 4 stars; one submission).

Conditions:
Hereditary cancer-predisposing syndrome. Also called: Neoplastic Syndromes, Hereditary; Tumor predisposition; Hereditary Cancer Syndrome; Hereditary neoplastic syndrome. Identifiers: Orphanet 140162, MedGen C0027672, MeSH D009386, MONDO:0015356.

Submission:

Ambry Genetics
Classification: Uncertain significance for Hereditary cancer-predisposing syndrome. Last evaluated: 2026-04-04. Review status: criteria provided, single submitter. Criteria: Ambry Variant Classification Scheme 2023. Collection method: clinical testing. Allele origin: germline.
Comment: The p.P1508A variant (also known as c.4522C>G), located in coding exon 34 of the TSC2 gene, results from a C to G substitution at nucleotide position 4522. The proline at codon 1508 is replaced by alanine, an amino acid with highly similar properties. This amino acid position is conserved. In addition, this alteration is predicted to be deleterious by in silico analysis. Based on the available evidence, the clinical significance of this variant remains unclear.

NM_000548.5(TSC2):c.4522C>G (p.Pro1508Ala)

Gene: TSC2 (TSC complex subunit 2; plus strand). Cytogenetic location: 16p13.3.
Variant type: single nucleotide variant.
Coding change: c.4522C>G on transcript NM_000548.5 (MANE Select); coding-DNA position 4522, C replaced by G.
Protein change: p.Pro1508Ala; replaces proline 1508 with alanine.
Molecular consequence: missense variant. On other transcripts: non-coding transcript variant (5).
Genome position (GRCh38, 1-based): chr16:2,084,979, C>G. VCF-style: chr16-2084979-C-G. GRCh37 (hg19) VCF-style: chr16-2134980-C-G.
Other names: c.4321C>G, p.Pro1441Ala (NM_001077183.3); c.4453C>G, p.Pro1485Ala (NM_001114382.3); c.4213C>G, p.Pro1405Ala (NM_001318827.2); c.4177C>G, p.Pro1393Ala (NM_001318829.2); c.3790C>G, p.Pro1264Ala (NM_001318831.2); c.4354C>G, p.Pro1452Ala (NM_001318832.2); c.4324C>G, p.Pro1442Ala (NM_001363528.2); c.4390C>G, p.Pro1464Ala (NM_001370404.1); and 26 more; short protein forms P1016A, P1017A, P1037A, P1241A, P1242A, P1264A, P1284A, P1285A.
Identifiers: ClinVar variation 4866080 (VCV004866080.1).